The following is an entry in ClinVar:

ClinVar aggregate classification (germline): Benign. Review status: criteria provided, multiple submitters, no conflicts (2 of 4 stars). 2 submissions from 2 submitters: Benign (2). Last evaluated 2016-03-29.

Allele frequency attached by ClinVar (database versions not stated): gnomAD exomes below 0.00001; TOPMed below 0.00001; 1000 Genomes Project 0.32748; ExAC 0.47649.

Submissions (2):

Laboratory for Molecular Medicine, Mass General Brigham Personalized Medicine
Classification: Benign. Last evaluated: 2016-03-29. Review status: criteria provided, single submitter. Criteria: LMM Criteria. Collection method: clinical testing. Allele origin: germline.
Comment: Variant identified in a genome or exome case(s) and assessed due to predicted null impact of the variant or pathogenic assertions in the literature or databases. Disclaimer: This variant has not undergone full assessment. The following are preliminary notes: Fails inbreeding coefficient filter

Breakthrough Genomics
Classification: Benign. Review status: criteria provided, single submitter. Criteria: ACMG Guidelines, 2015. Collection method: not provided. Allele origin: germline. Inheritance: Unknown mechanism. Affected: yes.

NM_023013.4(PRAMEF1):c.321T>C (p.Asp107=)

Gene: PRAMEF1 (PRAME family member 1; plus strand). Cytogenetic location: 1p36.21.
Variant type: single nucleotide variant.
Coding change: c.321T>C on transcript NM_023013.4 (MANE Select); coding-DNA position 321, T replaced by C.
Protein change: p.Asp107=; no amino-acid change (aspartic acid 107 retained).
Molecular consequence: synonymous variant.
Genome position (GRCh38, 1-based): chr1:12,793,948, T>C. VCF-style: chr1-12793948-T-C. GRCh37 (hg19) VCF-style: chr1-12854097-T-C.
Identifiers: ClinVar variation 403338 (VCV000403338.5), dbSNP rs76193255, ClinGen allele CA606290.